The following is an entry in ClinVar:

ClinVar aggregate classification (germline): Uncertain significance (1 of 4 stars; one submission).

Submission:

GeneDx
Classification: Uncertain significance. Last evaluated: 2025-02-26. Review status: criteria provided, single submitter. Criteria: GeneDx Variant Classification Process June 2021. Collection method: clinical testing. Allele origin: germline. Affected: yes.
Comment: Not observed at significant frequency in large population cohorts (gnomAD); In silico analysis indicates that this missense variant does not alter protein structure/function; Has not been previously published as pathogenic or benign to our knowledge

NM_003047.5(SLC9A1):c.313A>G (p.Ile105Val)

Gene: SLC9A1 (solute carrier family 9 member A1; minus strand). Cytogenetic location: 1p36.11.
Variant type: single nucleotide variant.
Coding change: c.313A>G on transcript NM_003047.5 (MANE Select); coding-DNA position 313, A replaced by G.
Protein change: p.Ile105Val; replaces isoleucine 105 with valine.
Molecular consequence: missense variant. On other transcripts: non-coding transcript variant (1).
Genome position (GRCh38, 1-based): chr1:27,154,022, T>C on the plus strand (A>G on the coding strand, the complement: SLC9A1 is on the minus strand). VCF-style: chr1-27154022-T-C. GRCh37 (hg19) VCF-style: chr1-27480513-T-C.
Other names: short protein forms I105V.
Identifiers: ClinVar variation 4077306 (VCV004077306.1).